The following is an entry in ClinVar:

NM_005465.7(AKT3):c.409A>G (p.Thr137Ala)

Gene: AKT3 (AKT serine/threonine kinase 3; minus strand). Cytogenetic location: 1q44.
Variant type: single nucleotide variant.
Coding change: c.409A>G on transcript NM_005465.7 (MANE Select); coding-DNA position 409, A replaced by G.
Protein change: p.Thr137Ala; replaces threonine 137 with alanine.
Molecular consequence: missense variant.
Genome position (GRCh38, 1-based): chr1:243,645,913, T>C on the plus strand (A>G on the coding strand, the complement: AKT3 is on the minus strand). VCF-style: chr1-243645913-T-C. GRCh37 (hg19) VCF-style: chr1-243809215-T-C.
Other names: c.409A>G, p.Thr137Ala (NM_001206729.2, NM_001370074.1, NM_181690.2); c.409A>G (NM_005465.4); short protein forms T137A.
Identifiers: ClinVar variation 1505641 (VCV001505641.9), dbSNP rs1351256745, ClinGen allele CA345670529.

ClinVar aggregate classification (germline): Conflicting classifications of pathogenicity. Review status: criteria provided, conflicting classifications (1 of 4 stars). 2 submissions from 2 submitters: Uncertain significance (1); Likely benign (1). Last evaluated 2024-10-16.

Conditions:
Megalencephaly-polymicrogyria-polydactyly-hydrocephalus syndrome 2 (MPPH2). Also called: MEGALENCEPHALY-POLYMICROGYRIA-POLYDACTYLY-HYDROCEPHALUS SYNDROME 2, SOMATIC. Identifiers: Orphanet 83473, MedGen C4014738, MONDO:0014407, OMIM 615937.
Inborn genetic diseases. Identifiers: MedGen C0950123, MeSH D030342.

Allele frequency attached by ClinVar (database versions not stated): gnomAD exomes below 0.00001 and 0.00001; gnomAD 0.00001; TOPMed 0.00001.
gnomAD v4.1: 8 of 1,611,560 alleles (0.0005%); highest among the groups gnomAD compares: Admixed American, 0.0017%; no homozygotes.

Submissions (2):

Ambry Genetics
Classification: Likely benign for Inborn genetic diseases. Last evaluated: 2024-10-16. Review status: criteria provided, single submitter. Criteria: Ambry Variant Classification Scheme 2023. Collection method: clinical testing. Allele origin: germline.

Labcorp Genetics (formerly Invitae), Labcorp
Classification: Uncertain significance for Megalencephaly-polymicrogyria-polydactyly-hydrocephalus syndrome 2. Last evaluated: 2024-05-31. Review status: criteria provided, single submitter. Criteria: Invitae Variant Classification Sherloc (09022015). Collection method: clinical testing. Allele origin: germline.
Comment: This sequence change replaces threonine, which is neutral and polar, with alanine, which is neutral and non-polar, at codon 137 of the AKT3 protein (p.Thr137Ala). This variant is present in population databases (no rsID available, gnomAD 0.0009%). This variant has not been reported in the literature in individuals affected with AKT3-related conditions. ClinVar contains an entry for this variant (Variation ID: 1505641). Algorithms developed to predict the effect of missense changes on protein structure and function output the following: SIFT: "Not Available"; PolyPhen-2: "Benign"; Align-GVGD: "Not Available". The alanine amino acid residue is found in multiple mammalian species, which suggests that this missense change does not adversely affect protein function. In summary, the available evidence is currently insufficient to determine the role of this variant in disease. Therefore, it has been classified as a Variant of Uncertain Significance.